The following is an entry in ClinVar:

ClinVar aggregate classification (germline): Uncertain significance. Review status: criteria provided, multiple submitters, no conflicts (2 of 4 stars). 3 submissions from 3 submitters: Uncertain significance (2). 1 of the submissions does not count toward it. Last evaluated 2026-03-12.

Conditions:
Developmental delay with or without dysmorphic facies and autism. Identifiers: MedGen C5193106, MONDO:0032760, OMIM 618454.

Allele frequency attached by ClinVar (database versions not stated): gnomAD exomes below 0.00001; ExAC 0.00001.
gnomAD v4.1: 2 of 1,614,202 alleles (0.00012%); highest among the groups gnomAD compares: Admixed American, 0.0017%; no homozygotes.

Submissions (3):

GeneDx
Classification: Uncertain significance. Last evaluated: 2026-03-12. Review status: criteria provided, single submitter. Criteria: GeneDx Variant Classification Process June 2021. Collection method: clinical testing. Allele origin: germline.
Comment: In silico analysis suggests that this missense variant does not alter protein structure/function; Has not been previously published as pathogenic or benign to our knowledge

Labcorp Genetics (formerly Invitae), Labcorp
Classification: Uncertain significance. Last evaluated: 2024-07-29. Review status: criteria provided, single submitter. Criteria: Invitae Variant Classification Sherloc (09022015). Collection method: clinical testing. Allele origin: germline.
Comment: This sequence change replaces threonine, which is neutral and polar, with methionine, which is neutral and non-polar, at codon 2951 of the TRRAP protein (p.Thr2951Met). This variant is present in population databases (rs750756419, gnomAD 0.003%). This variant has not been reported in the literature in individuals affected with TRRAP-related conditions. This missense change has been observed in at least one individual who was not affected with TRRAP-related conditions (Invitae). ClinVar contains an entry for this variant (Variation ID: 1319914). Advanced modeling of protein sequence and biophysical properties (such as structural, functional, and spatial information, amino acid conservation, physicochemical variation, residue mobility, and thermodynamic stability) has been performed at Invitae for this missense variant, however the output from this modeling did not meet the statistical confidence thresholds required to predict the impact of this variant on TRRAP protein function. In summary, the available evidence is currently insufficient to determine the role of this variant in disease. Therefore, it has been classified as a Variant of Uncertain Significance.

Clinical Genetics Laboratory, University Hospital Schleswig-Holstein
Classification: Uncertain significance for Developmental delay with or without dysmorphic facies and autism. Last evaluated: 2021-09-27. Review status: no assertion criteria provided. Collection method: clinical testing. Allele origin: germline. Affected: yes. Not counted in ClinVar's aggregate classification.

NM_001375524.1(TRRAP):c.8927C>T (p.Thr2976Met)

Gene: TRRAP (transformation/transcription domain associated protein; plus strand). Cytogenetic location: 7q22.1.
Variant type: single nucleotide variant.
Coding change: c.8927C>T on transcript NM_001375524.1 (MANE Select); coding-DNA position 8927, C replaced by T.
Protein change: p.Thr2976Met; replaces threonine 2976 with methionine.
Molecular consequence: missense variant.
Genome position (GRCh38, 1-based): chr7:98,983,364, C>T. VCF-style: chr7-98983364-C-T. GRCh37 (hg19) VCF-style: chr7-98580987-C-T.
Other names: c.8906C>T, p.Thr2969Met (NM_001244580.2); c.8852C>T, p.Thr2951Met (NM_003496.4); c.8852C>T (NM_003496.3); short protein forms T2951M, T2969M, T2976M.
Identifiers: ClinVar variation 1319914 (VCV001319914.6), dbSNP rs750756419, ClinGen allele CA4361583.
Genomic context (GRCh38, chr7:98,983,364, plus strand): 5'-TCAACGCAGGCTTACAGCCAACCAACCTGGGAAGGAACAACAGCCTGCACGACATGAAGA[C>T]GGTGGTGAAGACCTGGAGGAACCGACTGCCCATCGTGTCTGACGACTTGTCCCACTGGAG-3'
Protein context (NP_001362453.1, residues 2966-2986): GRNNSLHDMK[Thr2976Met]VVKTWRNRLP